The following is an entry in ClinVar:

ClinVar aggregate classification (germline): Uncertain significance. Review status: criteria provided, multiple submitters, no conflicts (2 of 4 stars). 3 submissions from 3 submitters: Uncertain significance (3). Last evaluated 2024-12-02.

Conditions:
Inborn genetic diseases. Identifiers: MedGen C0950123, MeSH D030342.
Myopathy, proximal, and ophthalmoplegia (CMYO6). Also called: CONGENITAL MYOPATHY 6 WITH OPHTHALMOPLEGIA; INCLUSION BODY MYOPATHY 3, AUTOSOMAL DOMINANT; MYOPATHY WITH CONGENITAL JOINT CONTRACTURES, OPHTHALMOPLEGIA, AND RIMMED VACUOLES. Identifiers: Orphanet 363677, Orphanet 79091, MedGen C1854106, MONDO:0011577, OMIM 605637.

Allele frequency attached by ClinVar (database versions not stated): ExAC 0.00003; gnomAD 0.00003; gnomAD exomes 0.00003 and 0.00004.
gnomAD v4.1: 44 of 1,613,956 alleles (0.0027%); highest among the groups gnomAD compares: Admixed American, 0.0083%; no homozygotes.

Submissions (3):

Ambry Genetics
Classification: Uncertain significance for Inborn genetic diseases. Last evaluated: 2024-12-02. Review status: criteria provided, single submitter. Criteria: Ambry Variant Classification Scheme 2023. Collection method: clinical testing. Allele origin: germline.

Labcorp Genetics (formerly Invitae), Labcorp
Classification: Uncertain significance for Myopathy, proximal, and ophthalmoplegia. Last evaluated: 2022-11-09. Review status: criteria provided, single submitter. Criteria: Invitae Variant Classification Sherloc (09022015). Collection method: clinical testing. Allele origin: germline.
Comment: In summary, the available evidence is currently insufficient to determine the role of this variant in disease. Therefore, it has been classified as a Variant of Uncertain Significance. Advanced modeling of protein sequence and biophysical properties (such as structural, functional, and spatial information, amino acid conservation, physicochemical variation, residue mobility, and thermodynamic stability) performed at Invitae indicates that this missense variant is expected to disrupt MYH2 protein function. ClinVar contains an entry for this variant (Variation ID: 1306856). This variant has not been reported in the literature in individuals affected with MYH2-related conditions. This variant is present in population databases (rs755265718, gnomAD 0.01%). This sequence change replaces arginine, which is basic and polar, with tryptophan, which is neutral and slightly polar, at codon 1826 of the MYH2 protein (p.Arg1826Trp).

GeneDx
Classification: Uncertain significance. Last evaluated: 2019-03-12. Review status: criteria provided, single submitter. Criteria: GeneDx Variant Classification Process June 2021. Collection method: clinical testing. Allele origin: germline. Affected: yes.
Comment: In silico analysis, which includes protein predictors and evolutionary conservation, supports a deleterious effect; Has not been previously published as pathogenic or benign to our knowledge

NM_017534.6(MYH2):c.5476C>T (p.Arg1826Trp)

Genes: MYHAS (myosin heavy chain gene cluster antisense RNA; plus strand), MYH2 (myosin heavy chain 2; minus strand). Cytogenetic location: 17p13.1.
Variant type: single nucleotide variant.
Coding change: c.5476C>T on transcript NM_017534.6 (MANE Select); coding-DNA position 5476, C replaced by T.
Protein change: p.Arg1826Trp; replaces arginine 1826 with tryptophan.
Molecular consequence: missense variant.
Genome position (GRCh38, 1-based): chr17:10,523,409, G>A on the plus strand (C>T on the coding strand, the complement: MYH2 is on the minus strand). VCF-style: chr17-10523409-G-A. GRCh37 (hg19) VCF-style: chr17-10426726-G-A.
Other names: c.5476C>T, p.Arg1826Trp (NM_001100112.2); short protein forms R1826W.
Identifiers: ClinVar variation 1306856 (VCV001306856.8), dbSNP rs755265718, ClinGen allele CA8390382.
Genomic context (GRCh38, chr17:10,523,409, plus strand): 5'-GACCTTTGACAGCCTCAGCATTACGCTTTTGCTCACTCTCAACCTCTCCTTCCAGCTCCC[G>A]TACCTGCAAATAAGTAGGCTCTTAAGAACTTTGATCCAATAAGGCACTGAAAGCAGATGG-3'
Protein context (NP_060004.3, residues 1816-1836): KQIQKLEARV[Arg1826Trp]ELEGEVESEQ